The following is an entry in ClinVar:

NM_130837.3(OPA1):c.416T>C (p.Ile139Thr)

Gene: OPA1 (OPA1 mitochondrial dynamin like GTPase; plus strand). Cytogenetic location: 3q29.
Variant type: single nucleotide variant.
Coding change: c.416T>C on transcript NM_130837.3 (MANE Select); coding-DNA position 416, T replaced by C.
Protein change: p.Ile139Thr; replaces isoleucine 139 with threonine.
Molecular consequence: missense variant.
Genome position (GRCh38, 1-based): chr3:193,615,738, T>C. VCF-style: chr3-193615738-T-C. GRCh37 (hg19) VCF-style: chr3-193333527-T-C.
Other names: c.44T>C, p.Ile15Thr (NM_001354663.2, NM_001354664.2); c.416T>C, p.Ile139Thr (NM_015560.3, NM_130831.3, NM_130832.3 and 4 more transcripts); short protein forms I139T, I15T.
Identifiers: ClinVar variation 4988738 (VCV004988738.1).

ClinVar aggregate classification (germline): Uncertain significance (1 of 4 stars; one submission).

Conditions:
OPA1-related disorder. Also called: OPA1-related disorders; OPA1-related condition.

gnomAD v4.1: 2 of 1,612,132 alleles (0.00012%); highest among the groups gnomAD compares: Middle Eastern, 0.017%; no homozygotes.

Submission:

PreventionGenetics, part of Exact Sciences
Classification: Uncertain significance for OPA1-related condition. Last evaluated: 2026-05-01. Review status: criteria provided, single submitter. Criteria: ACMG Guidelines, 2015. Collection method: clinical testing. Allele origin: germline.
Comment: The OPA1 c.416T>C variant is predicted to result in the amino acid substitution p.Ile139Thr. To our knowledge, this variant has not been reported in the literature or in a large population database (gnomAD), indicating this variant is rare. At this time, the clinical significance of this variant is uncertain due to the absence of conclusive functional and genetic evidence.